The following is an entry in ClinVar:

NM_001035.3(RYR2):c.14542A>G (p.Ile4848Val)

Gene: RYR2 (ryanodine receptor 2; plus strand). Cytogenetic location: 1q43.
Variant type: single nucleotide variant.
Coding change: c.14542A>G on transcript NM_001035.3 (MANE Select); coding-DNA position 14542, A replaced by G.
Protein change: p.Ile4848Val; replaces isoleucine 4848 with valine.
Molecular consequence: missense variant.
Genome position (GRCh38, 1-based): chr1:237,819,144, A>G. VCF-style: chr1-237819144-A-G. GRCh37 (hg19) VCF-style: chr1-237982444-A-G.
Other names: short protein forms I4848V.
Identifiers: ClinVar variation 1518295 (VCV001518295.8), dbSNP rs1363298408, ClinGen allele CA345426512.
Genomic context (GRCh38, chr1:237,819,144, plus strand): 5'-GGGGATGAAATCGAAGACCCAGCAGGAGATGAATATGAGATCTATCGAATCATCTTTGAC[A>G]TCACTTTCTTCTTCTTTGTTATTGTCATTCTCTTGGCCATAATACAAGGTAAGTATCCTC-3'
Protein context (NP_001026.2, residues 4838-4858): EYEIYRIIFD[Ile4848Val]TFFFFVIVIL

ClinVar aggregate classification (germline): Conflicting classifications of pathogenicity. Review status: criteria provided, conflicting classifications (1 of 4 stars). 2 submissions from 2 submitters: Likely pathogenic (1); Uncertain significance (1). Last evaluated 2025-07-06.

Conditions:
Catecholaminergic polymorphic ventricular tachycardia 1. Also called: RYR2-Related Catecholaminergic Polymorphic Ventricular Tachycardia; VENTRICULAR TACHYCARDIA, STRESS-INDUCED POLYMORPHIC 1; VENTRICULAR TACHYCARDIA, CATECHOLAMINERGIC POLYMORPHIC, 1, WITH OR WITHOUT ATRIAL DYSFUNCTION AND/OR DILATED CARDIOMYOPATHY. Identifiers: Orphanet 3286, MedGen C1631597, MONDO:0011484, OMIM 604772.
Catecholaminergic polymorphic ventricular tachycardia (CVPT). Also called: Catecholamine-induced polymorphic ventricular tachycardia. Identifiers: Orphanet 3286, MedGen C5574922, MONDO:0017990.

Submissions (2):

Labcorp Genetics (formerly Invitae), Labcorp
Classification: Likely pathogenic for Catecholaminergic polymorphic ventricular tachycardia 1. Last evaluated: 2025-07-06. Review status: criteria provided, single submitter. Criteria: Invitae Variant Classification Sherloc (09022015). Collection method: clinical testing. Allele origin: germline.
Comment: This sequence change replaces isoleucine, which is neutral and non-polar, with valine, which is neutral and non-polar, at codon 4848 of the RYR2 protein (p.Ile4848Val). This variant is not present in population databases (gnomAD no frequency). This missense change has been observed in individuals with clinical features of autosomal dominant RYR2-related conditions (PMID: 15466642, 31112425). ClinVar contains an entry for this variant (Variation ID: 1518295). Invitae Evidence Modeling of protein sequence and biophysical properties (such as structural, functional, and spatial information, amino acid conservation, physicochemical variation, residue mobility, and thermodynamic stability) indicates that this missense variant is expected to disrupt RYR2 protein function with a positive predictive value of 95%. Experimental studies are conflicting or provide insufficient evidence to determine the effect of this variant on RYR2 function (PMID: 33825858). In summary, the currently available evidence indicates that the variant is pathogenic, but additional data are needed to prove that conclusively. Therefore, this variant has been classified as Likely Pathogenic.

All of Us Research Program, National Institutes of Health
Classification: Uncertain significance for Catecholaminergic polymorphic ventricular tachycardia. Last evaluated: 2024-05-17. Review status: criteria provided, single submitter. Criteria: ACMG Guidelines, 2015. Collection method: clinical testing. Allele origin: germline. Inheritance: Autosomal dominant inheritance. Observed: 1 variant allele, 1 heterozygote.
Comment: This study involves interpretation of variants in research participants for the purpose of population health screening. Participant phenotype was not available at the time of variant classification. Additional details can be found in publication PMID: 35346344, PMCID: PMC8962531

Literature cited by the submitters: PubMed 15466642 (cited by Labcorp Genetics (formerly Invitae), Labcorp); PubMed 31112425 (cited by Labcorp Genetics (formerly Invitae), Labcorp); PubMed 33825858 (cited by Labcorp Genetics (formerly Invitae), Labcorp).